The following is an entry in ClinVar:

NM_005585.5(SMAD6):c.632C>T (p.Ala211Val)

Gene: SMAD6 (SMAD family member 6; plus strand). Cytogenetic location: 15q22.31.
Variant type: single nucleotide variant.
Coding change: c.632C>T on transcript NM_005585.5 (MANE Select); coding-DNA position 632, C replaced by T.
Protein change: p.Ala211Val; replaces alanine 211 with valine.
Molecular consequence: missense variant. On other transcripts: non-coding transcript variant (1).
Genome position (GRCh38, 1-based): chr15:66,703,890, C>T. VCF-style: chr15-66703890-C-T. GRCh37 (hg19) VCF-style: chr15-66996228-C-T.
Other names: short protein forms A211V.
Identifiers: ClinVar variation 2624996 (VCV002624996.6), dbSNP rs1002706747, ClinGen allele CA271683262.

ClinVar aggregate classification (germline): Uncertain significance. Review status: criteria provided, multiple submitters, no conflicts (2 of 4 stars). 3 submissions from 3 submitters: Uncertain significance (2). 1 of the submissions does not count toward it. Last evaluated 2024-06-13.

Conditions:
Inborn genetic diseases. Identifiers: MedGen C0950123, MeSH D030342.
SMAD6-related disease. Also called: SMAD6-related condition; SMAD6-related disorder. Identifiers: MedGen CN381596, MONDO:0700324.
Aortic valve disease 2 (AOVD2). Identifiers: MedGen C3542024, MONDO:0013902, OMIM 614823.

gnomAD v4.1: 6 of 1,293,350 alleles (0.00046%); highest among the groups gnomAD compares: African/African-American, 0.0062%; no homozygotes.

Submissions (3):

Labcorp Genetics (formerly Invitae), Labcorp
Classification: Uncertain significance for Aortic valve disease 2. Last evaluated: 2024-06-13. Review status: criteria provided, single submitter. Criteria: Invitae Variant Classification Sherloc (09022015). Collection method: clinical testing. Allele origin: germline.
Comment: This sequence change replaces alanine, which is neutral and non-polar, with valine, which is neutral and non-polar, at codon 211 of the SMAD6 protein (p.Ala211Val). This variant is not present in population databases (gnomAD no frequency). This variant has not been reported in the literature in individuals affected with SMAD6-related conditions. ClinVar contains an entry for this variant (Variation ID: 2624996). Advanced modeling of protein sequence and biophysical properties (such as structural, functional, and spatial information, amino acid conservation, physicochemical variation, residue mobility, and thermodynamic stability) performed at Invitae indicates that this missense variant is not expected to disrupt SMAD6 protein function with a negative predictive value of 80%. In summary, the available evidence is currently insufficient to determine the role of this variant in disease. Therefore, it has been classified as a Variant of Uncertain Significance.

Ambry Genetics
Classification: Uncertain significance for Inborn genetic diseases. Last evaluated: 2023-07-26. Review status: criteria provided, single submitter. Criteria: Ambry Variant Classification Scheme 2023. Collection method: clinical testing. Allele origin: germline.
Comment: The p.A211V variant (also known as c.632C>T), located in coding exon 1 of the SMAD6 gene, results from a C to T substitution at nucleotide position 632. The alanine at codon 211 is replaced by valine, an amino acid with similar properties. This amino acid position is conserved. In addition, this alteration is predicted to be tolerated by in silico analysis. Since supporting evidence is limited at this time, the clinical significance of this alteration remains unclear.

PreventionGenetics, part of Exact Sciences
Classification: Uncertain significance for SMAD6-related condition. Last evaluated: 2024-02-24. Review status: no assertion criteria provided. Collection method: clinical testing. Allele origin: germline. Not counted in ClinVar's aggregate classification.
Comment: The SMAD6 c.632C>T variant is predicted to result in the amino acid substitution p.Ala211Val. To our knowledge, this variant has not been reported in the literature or in a large population database, indicating this variant is rare. At this time, the clinical significance of this variant is uncertain due to the absence of conclusive functional and genetic evidence.